The following is an entry in ClinVar:

NM_024685.4(BBS10):c.1684T>C (p.Leu562=)

Gene: BBS10 (Bardet-Biedl syndrome 10; minus strand). Cytogenetic location: 12q21.2.
Variant type: single nucleotide variant.
Coding change: c.1684T>C on transcript NM_024685.4 (MANE Select); coding-DNA position 1684, T replaced by C.
Protein change: p.Leu562=; no amino-acid change (leucine 562 retained).
Molecular consequence: synonymous variant.
Genome position (GRCh38, 1-based): chr12:76,346,301, A>G on the plus strand (T>C on the coding strand, the complement: BBS10 is on the minus strand). VCF-style: chr12-76346301-A-G. GRCh37 (hg19) VCF-style: chr12-76740081-A-G.
Other names: c.1684T>C (NM_024685.3).
Identifiers: ClinVar variation 990675 (VCV000990675.19), dbSNP rs111773727, ClinGen allele CA6694123.

ClinVar aggregate classification (germline): Likely benign. Review status: criteria provided, multiple submitters, no conflicts (2 of 4 stars). 6 submissions from 6 submitters: Likely benign (4). 2 of the submissions do not count toward it. Last evaluated 2025-12-01.

Conditions:
BBS10-related disorder. Also called: BBS10-related condition.
Bardet-Biedl syndrome (BBS). Identifiers: Orphanet 110, MedGen C0752166, MONDO:0015229.
Bardet-Biedl syndrome 10 (BBS10). Identifiers: Orphanet 110, MedGen C1859568, MONDO:0014438, OMIM 615987.

Allele frequency attached by ClinVar (database versions not stated): gnomAD 0.00001; TOPMed 0.00002.

Submissions (6):

CeGaT Center for Human Genetics Tuebingen
Classification: Likely benign. Last evaluated: 2025-12-01. Review status: criteria provided, single submitter. Criteria: CeGaT Center For Human Genetics Tuebingen Variant Classification Criteria Version 2. Collection method: clinical testing. Allele origin: germline. Affected: yes. Observed: 1 variant allele.
Comment: BBS10: BP4, BP7

Blueprint Genetics
Classification: Likely benign. Last evaluated: 2024-06-17. Review status: criteria provided, single submitter. Criteria: ACMG Guidelines, 2015. Collection method: clinical testing. Allele origin: germline.

Labcorp Genetics (formerly Invitae), Labcorp
Classification: Likely benign for Bardet-Biedl syndrome. Last evaluated: 2024-02-14. Review status: criteria provided, single submitter. Criteria: Invitae Variant Classification Sherloc (09022015). Collection method: clinical testing. Allele origin: germline.

Fulgent Genetics
Classification: Likely benign for Bardet-Biedl syndrome 10. Last evaluated: 2021-09-28. Review status: criteria provided, single submitter. Criteria: ACMG Guidelines, 2015. Collection method: clinical testing. Allele origin: unknown.

PreventionGenetics, part of Exact Sciences
Classification: Likely benign for BBS10-related condition. Last evaluated: 2022-09-27. Review status: no assertion criteria provided. Collection method: clinical testing. Allele origin: germline. Not counted in ClinVar's aggregate classification.
Comment: This variant is classified as likely benign based on ACMG/AMP sequence variant interpretation guidelines (Richards et al. 2015 PMID: 25741868, with internal and published modifications).

Natera, Inc.
Classification: Uncertain significance for Bardet-Biedl syndrome type 10. Last evaluated: 2020-09-24. Review status: no assertion criteria provided. Collection method: clinical testing. Allele origin: germline. Not counted in ClinVar's aggregate classification.